The following is an entry in ClinVar:

NM_000057.4(BLM):c.4224G>A (p.Pro1408=)

Gene: BLM (BLM RecQ like helicase; plus strand). Cytogenetic location: 15q26.1.
Variant type: single nucleotide variant.
Coding change: c.4224G>A on transcript NM_000057.4 (MANE Select); coding-DNA position 4224, G replaced by A.
Protein change: p.Pro1408=; no amino-acid change (proline 1408 retained).
Molecular consequence: synonymous variant.
Genome position (GRCh38, 1-based): chr15:90,815,249, G>A. VCF-style: chr15-90815249-G-A. GRCh37 (hg19) VCF-style: chr15-91358479-G-A.
Other names: c.4224G>A, p.Pro1408= (NM_001287246.2); c.3831G>A, p.Pro1277= (NM_001287247.2); c.3099G>A, p.Pro1033= (NM_001287248.2).
Identifiers: ClinVar variation 524843 (VCV000524843.24), dbSNP rs774367622, ClinGen allele CA7739216.

ClinVar aggregate classification (germline): Likely benign. Review status: criteria provided, multiple submitters, no conflicts (2 of 4 stars). 4 submissions from 4 submitters: Likely benign (3). 1 of the submissions does not count toward it. Last evaluated 2026-02-01.

Conditions:
Hereditary cancer-predisposing syndrome. Also called: Neoplastic Syndromes, Hereditary; Hereditary Cancer Syndrome; Tumor predisposition; Hereditary neoplastic syndrome. Identifiers: Orphanet 140162, MedGen C0027672, MeSH D009386, MONDO:0015356.
Bloom syndrome (BLM). Also called: Bloom-Torre-Machacek syndrome. Identifiers: Orphanet 125, MedGen C0005859, MONDO:0008876, OMIM 210900.

Allele frequency attached by ClinVar (database versions not stated): TOPMed 0.00002; gnomAD exomes 0.00005; ExAC 0.00007.
gnomAD v4.1: 47 of 1,614,046 alleles (0.0029%); highest among the groups gnomAD compares: South Asian, 0.041%; no homozygotes.

Submissions (4):

CeGaT Center for Human Genetics Tuebingen
Classification: Likely benign. Last evaluated: 2026-02-01. Review status: criteria provided, single submitter. Criteria: CeGaT Center For Human Genetics Tuebingen Variant Classification Criteria Version 2. Collection method: clinical testing. Allele origin: germline. Affected: yes. Observed: 1 variant allele.
Comment: BLM: BP4, BP7

Labcorp Genetics (formerly Invitae), Labcorp
Classification: Likely benign for Bloom syndrome. Last evaluated: 2026-01-07. Review status: criteria provided, single submitter. Criteria: Invitae Variant Classification Sherloc (09022015). Collection method: clinical testing. Allele origin: germline.

Ambry Genetics
Classification: Likely benign for Hereditary cancer-predisposing syndrome. Last evaluated: 2019-12-04. Review status: criteria provided, single submitter. Criteria: Ambry Variant Classification Scheme 2023. Collection method: clinical testing. Allele origin: germline.

Natera, Inc.
Classification: Likely benign for Bloom syndrome. Last evaluated: 2018-09-10. Review status: no assertion criteria provided. Collection method: clinical testing. Allele origin: germline. Not counted in ClinVar's aggregate classification.